The following is an entry in ClinVar:

ClinVar aggregate classification (germline): Conflicting classifications of pathogenicity. Review status: criteria provided, conflicting classifications (1 of 4 stars). 2 submissions from 2 submitters: Uncertain significance (1); Likely benign (1). Last evaluated 2025-08-08.

Conditions:
Inborn genetic diseases. Identifiers: MedGen C0950123, MeSH D030342.
Brown-Vialetto-van Laere syndrome 2. Also called: SPINOCEREBELLAR ATAXIA WITH BLINDNESS AND DEAFNESS 2; Riboflavin transporter deficiency type 2. Identifiers: Orphanet 572543, Orphanet 97229, MedGen C3553538, MONDO:0013867, OMIM 614707.

Allele frequency attached by ClinVar (database versions not stated): ESP Exome Variant Server 0.00008; ExAC 0.00002; TOPMed 0.00007.

Submissions (2):

Ambry Genetics
Classification: Likely benign for Inborn genetic diseases. Last evaluated: 2025-08-08. Review status: criteria provided, single submitter. Criteria: Ambry Variant Classification Scheme 2023. Collection method: clinical testing. Allele origin: germline.

Labcorp Genetics (formerly Invitae), Labcorp
Classification: Uncertain significance for Brown-Vialetto-van Laere syndrome 2. Last evaluated: 2022-08-31. Review status: criteria provided, single submitter. Criteria: Invitae Variant Classification Sherloc (09022015). Collection method: clinical testing. Allele origin: germline.
Comment: This sequence change replaces arginine, which is basic and polar, with glutamine, which is neutral and polar, at codon 82 of the SLC52A2 protein (p.Arg82Gln). This variant is present in population databases (rs377110942, gnomAD 0.006%). This variant has not been reported in the literature in individuals affected with SLC52A2-related conditions. ClinVar contains an entry for this variant (Variation ID: 839902). Advanced modeling of protein sequence and biophysical properties (such as structural, functional, and spatial information, amino acid conservation, physicochemical variation, residue mobility, and thermodynamic stability) performed at Invitae indicates that this missense variant is not expected to disrupt SLC52A2 protein function. Algorithms developed to predict the effect of sequence changes on RNA splicing suggest that this variant may create or strengthen a splice site. In summary, the available evidence is currently insufficient to determine the role of this variant in disease. Therefore, it has been classified as a Variant of Uncertain Significance.

NM_001363118.2(SLC52A2):c.245G>A (p.Arg82Gln)

Gene: SLC52A2 (solute carrier family 52 member 2; plus strand). Cytogenetic location: 8q24.3.
Variant type: single nucleotide variant.
Coding change: c.245G>A on transcript NM_001363118.2 (MANE Select); coding-DNA position 245, G replaced by A.
Protein change: p.Arg82Gln; replaces arginine 82 with glutamine.
Molecular consequence: missense variant. On other transcripts: non-coding transcript variant (1), intron variant (1).
Genome position (GRCh38, 1-based): chr8:144,359,737, G>A. VCF-style: chr8-144359737-G-A. GRCh37 (hg19) VCF-style: chr8-145583397-G-A.
Other names: c.245G>A (NM_024531.3); c.245G>A, p.Arg82Gln (NM_001253815.2, NM_001253816.2, NM_001363120.2 and 2 more transcripts); c.130+314G>A (NM_001363122.2); short protein forms R82Q.
Identifiers: ClinVar variation 839902 (VCV000839902.5), dbSNP rs377110942, ClinGen allele CA4938152.